The following is an entry in ClinVar:

NM_024570.4(RNASEH2B):c.111T>G (p.Phe37Leu)

Gene: RNASEH2B (ribonuclease H2 subunit B; plus strand). Cytogenetic location: 13q14.3.
Variant type: single nucleotide variant.
Coding change: c.111T>G on transcript NM_024570.4 (MANE Select); coding-DNA position 111, T replaced by G.
Protein change: p.Phe37Leu; replaces phenylalanine 37 with leucine.
Molecular consequence: missense variant.
Genome position (GRCh38, 1-based): chr13:50,927,453, T>G. VCF-style: chr13-50927453-T-G. GRCh37 (hg19) VCF-style: chr13-51501589-T-G.
Other names: c.111T>G, p.Phe37Leu (NM_001142279.2); short protein forms F37L.
Identifiers: ClinVar variation 1394799 (VCV001394799.3), dbSNP rs1458234584, ClinGen allele CA388258595.

ClinVar aggregate classification (germline): Uncertain significance (1 of 4 stars; one submission).

Conditions:
Aicardi-Goutieres syndrome 2. Identifiers: Orphanet 51, MedGen C3489724, MONDO:0012429, OMIM 610181.

Allele frequency attached by ClinVar (database versions not stated): gnomAD exomes 0.00001.
gnomAD v4.1: 17 of 1,603,460 alleles (0.0011%); highest among the groups gnomAD compares: South Asian, 0.018%; 1 homozygote.

Submission:

Labcorp Genetics (formerly Invitae), Labcorp
Classification: Uncertain significance for Aicardi-Goutieres syndrome 2. Last evaluated: 2021-12-07. Review status: criteria provided, single submitter. Criteria: Invitae Variant Classification Sherloc (09022015). Collection method: clinical testing. Allele origin: germline.
Comment: This sequence change replaces phenylalanine, which is neutral and non-polar, with leucine, which is neutral and non-polar, at codon 37 of the RNASEH2B protein (p.Phe37Leu). This variant is present in population databases (no rsID available, gnomAD 0.006%). This variant has not been reported in the literature in individuals affected with RNASEH2B-related conditions. Algorithms developed to predict the effect of missense changes on protein structure and function are either unavailable or do not agree on the potential impact of this missense change (SIFT: "Tolerated"; PolyPhen-2: "Possibly Damaging"; Align-GVGD: "Class C0"). In summary, the available evidence is currently insufficient to determine the role of this variant in disease. Therefore, it has been classified as a Variant of Uncertain Significance.